The following is an entry in ClinVar:

ClinVar aggregate classification (germline): Pathogenic (1 of 4 stars; one submission).

Submission:

Labcorp Genetics (formerly Invitae), Labcorp
Classification: Pathogenic. Last evaluated: 2023-11-27. Review status: criteria provided, single submitter. Criteria: Invitae Variant Classification Sherloc (09022015). Collection method: clinical testing. Allele origin: germline.
Comment: This sequence change creates a premature translational stop signal (p.Asp117Thrfs*6) in the TNFAIP3 gene. It is expected to result in an absent or disrupted protein product. Loss-of-function variants in TNFAIP3 are known to be pathogenic (PMID: 26642243). This variant is not present in population databases (gnomAD no frequency). This variant has not been reported in the literature in individuals affected with TNFAIP3-related conditions. ClinVar contains an entry for this variant (Variation ID: 2109776). For these reasons, this variant has been classified as Pathogenic.

Literature cited by the submitters: PubMed 26642243.

NM_001270508.2(TNFAIP3):c.349del (p.Asp117fs)

Gene: TNFAIP3 (TNF alpha induced protein 3; plus strand). Cytogenetic location: 6q23.3.
Variant type: Deletion.
Coding change: c.349del on transcript NM_001270508.2 (MANE Select); coding-DNA position 349, one base deleted (G; older notation c.349delG).
Protein change: p.Asp117fs; shifts the reading frame from aspartic acid 117.
Molecular consequence: frameshift variant.
Genome position (GRCh38, 1-based): chr6:137,874,898, G deleted; the last of 2 consecutive G bases (chr6:137,874,897-137,874,898); deleting either gives the same sequence. VCF-style (leftmost placement, unchanged base first): chr6-137874896-AG-A. GRCh37 (hg19) VCF-style: chr6-138196033-AG-A.
Other names: c.349del, p.Asp117fs (NM_001270507.2, NM_006290.4); short protein forms D117fs.
Identifiers: ClinVar variation 2109776 (VCV002109776.4), dbSNP rs2482726726, ClinGen allele CA2580075105.